The following is an entry in ClinVar:

NM_145886.4(PIDD1):c.2061G>A (p.Glu687=)

Gene: PIDD1 (p53-induced death domain protein 1; minus strand). Cytogenetic location: 11p15.5.
Variant type: single nucleotide variant.
Coding change: c.2061G>A on transcript NM_145886.4 (MANE Select); coding-DNA position 2061, G replaced by A.
Protein change: p.Glu687=; no amino-acid change (glutamic acid 687 retained).
Molecular consequence: synonymous variant.
Genome position (GRCh38, 1-based): chr11:800,432, C>T on the plus strand (G>A on the coding strand, the complement: PIDD1 is on the minus strand). VCF-style: chr11-800432-C-T. GRCh37 (hg19) VCF-style: chr11-800432-C-T.
Other names: c.2061G>A, p.Glu687= (NM_145887.4).
Identifiers: ClinVar variation 3041188 (VCV003041188.2), dbSNP rs147405558, ClinGen allele CA5789731.
Genomic context (GRCh38, chr11:800,432, plus strand): 5'-GGTCACGTATACCTCCTTCACATTCTTCAGGTGCGAGTAGAAGACAAAGCAGATTCTGCC[C>T]TCCACACAGTCAGGGCGGTCTAGGGGACAGGGGTGGGCTGAGCAAGGAGGGCTCGGGGAG-3'
Protein context (NP_665893.2, residues 677-697): DVDADRPDCV[Glu687=]GRICFVFYSH

ClinVar aggregate classification (germline): Benign (0 of 4 stars; one submission).

Conditions:
PIDD1-related disorder. Also called: PIDD1-related condition.

Allele frequency attached by ClinVar (database versions not stated): ESP Exome Variant Server 0.00023; TOPMed 0.00201; gnomAD 0.00287; gnomAD exomes 0.00293; ExAC 0.00777; 1000 Genomes Project 30x 0.01359; 1000 Genomes Project 0.01398.
gnomAD v4.1: 4,523 of 1,500,500 alleles (0.3%); highest among the groups gnomAD compares: South Asian, 3.5%; 107 homozygotes.

Submission:

PreventionGenetics, part of Exact Sciences
Classification: Benign for PIDD1-related condition. Last evaluated: 2019-10-16. Review status: no assertion criteria provided. Collection method: clinical testing. Allele origin: germline.
Comment: This variant is classified as benign based on ACMG/AMP sequence variant interpretation guidelines (Richards et al. 2015 PMID: 25741868, with internal and published modifications).